The following is an entry in ClinVar:

ClinVar aggregate classification (germline): Uncertain significance (1 of 4 stars; one submission).

Allele frequency attached by ClinVar (database versions not stated): gnomAD exomes below 0.00001; gnomAD 0.00001; TOPMed 0.00001.

Submission:

Labcorp Genetics (formerly Invitae), Labcorp
Classification: Uncertain significance. Last evaluated: 2023-12-25. Review status: criteria provided, single submitter. Criteria: Invitae Variant Classification Sherloc (09022015). Collection method: clinical testing. Allele origin: germline.
Comment: This sequence change replaces isoleucine, which is neutral and non-polar, with threonine, which is neutral and polar, at codon 500 of the GUCY2C protein (p.Ile500Thr). This variant is present in population databases (no rsID available, gnomAD 0.0009%). This variant has not been reported in the literature in individuals affected with GUCY2C-related conditions. Advanced modeling of protein sequence and biophysical properties (such as structural, functional, and spatial information, amino acid conservation, physicochemical variation, residue mobility, and thermodynamic stability) performed at Invitae indicates that this missense variant is not expected to disrupt GUCY2C protein function with a negative predictive value of 80%. In summary, the available evidence is currently insufficient to determine the role of this variant in disease. Therefore, it has been classified as a Variant of Uncertain Significance.

NM_004963.4(GUCY2C):c.1499T>C (p.Ile500Thr)

Gene: GUCY2C (guanylate cyclase 2C; minus strand). Cytogenetic location: 12p12.3.
Variant type: single nucleotide variant.
Coding change: c.1499T>C on transcript NM_004963.4 (MANE Select); coding-DNA position 1499, T replaced by C.
Protein change: p.Ile500Thr; replaces isoleucine 500 with threonine.
Molecular consequence: missense variant.
Genome position (GRCh38, 1-based): chr12:14,652,986, A>G on the plus strand (T>C on the coding strand, the complement: GUCY2C is on the minus strand). VCF-style: chr12-14652986-A-G. GRCh37 (hg19) VCF-style: chr12-14805920-A-G.
Other names: short protein forms I500T.
Identifiers: ClinVar variation 2732295 (VCV002732295.3), dbSNP rs1204928759, ClinGen allele CA383990506.
Genomic context (GRCh38, chr12:14,652,986, plus strand): 5'-GAGTTCAGAGAAGTGGGAGAGGTCACCTTTTTGTCGTATTTGCACTGTCGTAGTCTCTGG[A>G]TTGTATCTCGTCTTTTGTCATCATCGATCTGGCACAAGAAAAGGCTAATTATTCCAGAAG-3'
Protein context (NP_004954.2, residues 490-510): KIDDDKRRDT[Ile500Thr]QRLRQCKYDK